The following is an entry in ClinVar:

ClinVar aggregate classification (germline): Conflicting classifications of pathogenicity. Review status: criteria provided, conflicting classifications (1 of 4 stars). 4 submissions from 4 submitters: Pathogenic (1); Likely pathogenic (1); Uncertain significance (2). Last evaluated 2025-08-28.

Conditions:
Inborn genetic diseases. Identifiers: MedGen C0950123, MeSH D030342.
Argininosuccinate lyase deficiency. Also called: Argininosuccinic aciduria; ARGININOSUCCINIC ACID LYASE DEFICIENCY; ASL DEFICIENCY. Identifiers: Orphanet 23, MedGen C0268547, MONDO:0008815, OMIM 207900, HP:0025630.

Allele frequency attached by ClinVar (database versions not stated): gnomAD 0.00001; gnomAD exomes 0.00001; TOPMed 0.00001.
gnomAD v4.1: 18 of 1,613,670 alleles (0.0011%); highest among the groups gnomAD compares: Non-Finnish European, 0.0014%; no homozygotes.

Submissions (4):

Ambry Genetics
Classification: Uncertain significance for Inborn genetic diseases. Last evaluated: 2025-08-28. Review status: criteria provided, single submitter. Criteria: Ambry Variant Classification Scheme 2023. Collection method: clinical testing. Allele origin: germline.

Women's Health and Genetics/Laboratory Corporation of America, LabCorp
Classification: Likely pathogenic for Argininosuccinate lyase deficiency. Last evaluated: 2025-06-09. Review status: criteria provided, single submitter. Criteria: LabCorp Variant Classification Summary - May 2015. Collection method: clinical testing. Allele origin: germline.
Comment: Variant summary: ASL c.740C>T (p.Ser247Leu) results in a non-conservative amino acid change located in the Fumarate lyase, N-terminal domain (IPR022761) of the encoded protein sequence. Algorithms developed to predict the effect of missense changes on protein structure and function all suggest that this variant is likely to be disruptive. The variant allele was found at a frequency of 1.2e-05 in 250634 control chromosomes. c.740C>T has been observed in individual(s) affected with or with clinical features of Argininosuccinic Aciduria (internal data). These data indicate that the variant is likely to be associated with disease. To our knowledge, no experimental evidence demonstrating an impact on protein function has been reported. ClinVar contains an entry for this variant (Variation ID: 459922). Based on the evidence outlined above, the variant was classified as likely pathogenic.

Labcorp Genetics (formerly Invitae), Labcorp
Classification: Pathogenic for Argininosuccinate lyase deficiency. Last evaluated: 2024-01-17. Review status: criteria provided, single submitter. Criteria: Invitae Variant Classification Sherloc (09022015). Collection method: clinical testing. Allele origin: germline.
Comment: This sequence change replaces serine, which is neutral and polar, with leucine, which is neutral and non-polar, at codon 247 of the ASL protein (p.Ser247Leu). This variant is present in population databases (no rsID available, gnomAD 0.003%). This missense change has been observed in individual(s) with argininosuccinate lyase deficiency (Invitae). In at least one individual the data is consistent with being in trans (on the opposite chromosome) from a pathogenic variant. ClinVar contains an entry for this variant (Variation ID: 459922). Advanced modeling of protein sequence and biophysical properties (such as structural, functional, and spatial information, amino acid conservation, physicochemical variation, residue mobility, and thermodynamic stability) performed at Invitae indicates that this missense variant is expected to disrupt ASL protein function with a positive predictive value of 95%. For these reasons, this variant has been classified as Pathogenic.

GeneDx
Classification: Uncertain significance. Last evaluated: 2021-05-06. Review status: criteria provided, single submitter. Criteria: GeneDx Variant Classification Process June 2021. Collection method: clinical testing. Allele origin: germline. Affected: yes.
Comment: Not observed at a significant frequency in large population cohorts (Lek et al., 2016); In silico analysis, which includes protein predictors and evolutionary conservation, supports a deleterious effect; Has not been previously published as pathogenic or benign to our knowledge

NM_000048.4(ASL):c.740C>T (p.Ser247Leu)

Gene: ASL (argininosuccinate lyase; plus strand). Cytogenetic location: 7q11.21.
Variant type: single nucleotide variant.
Coding change: c.740C>T on transcript NM_000048.4 (MANE Select); coding-DNA position 740, C replaced by T.
Protein change: p.Ser247Leu; replaces serine 247 with leucine.
Molecular consequence: missense variant.
Genome position (GRCh38, 1-based): chr7:66,088,828, C>T. VCF-style: chr7-66088828-C-T. GRCh37 (hg19) VCF-style: chr7-65553815-C-T.
Other names: c.740C>T, p.Ser247Leu (NM_001024943.2, NM_001024944.2); c.662C>T, p.Ser221Leu (NM_001024946.2); short protein forms S247L, S221L.
Identifiers: ClinVar variation 459922 (VCV000459922.13), dbSNP rs1405344068, ClinGen allele CA367645136.
Genomic context (GRCh38, chr7:66,088,828, plus strand): 5'-GATGGGAGAGGCCTGGTGACTGGGAACCTTTTCTCCCAGCCGAGTTCCTGTTCTGGGCTT[C>T]GCTGTGCATGACCCATCTCAGCAGGATGGCCGAGGACCTCATCCTCTACTGCACCAAGGA-3'
Protein context (NP_000039.2, residues 237-257): DFVAEFLFWA[Ser247Leu]LCMTHLSRMA